The following is an entry in ClinVar:

NM_000045.4(ARG1):c.136G>A (p.Asp46Asn)

Genes: ARG1 (arginase 1; plus strand), MED23 (mediator complex subunit 23; minus strand). Cytogenetic location: 6q23.2.
Variant type: single nucleotide variant.
Coding change: c.136G>A on transcript NM_000045.4 (MANE Select); coding-DNA position 136, G replaced by A.
Protein change: p.Asp46Asn; replaces aspartic acid 46 with asparagine.
Molecular consequence: missense variant. On other transcripts: non-coding transcript variant (1), intron variant (2).
Genome position (GRCh38, 1-based): chr6:131,579,116, G>A. VCF-style: chr6-131579116-G-A. GRCh37 (hg19) VCF-style: chr6-131900256-G-A.
Other names: c.160G>A, p.Asp54Asn (NM_001244438.2); c.136G>A, p.Asp46Asn (NM_001369020.1); c.4078-4821C>T (NM_001270521.2); c.4096-4821C>T (NM_015979.4); short protein forms D54N, D46N.
Identifiers: ClinVar variation 1446195 (VCV001446195.6), dbSNP rs1773782658, ClinGen allele CA365650238.
Genomic context (GRCh38, chr6:131,579,116, plus strand): 5'-AGACTGATTTATAATCTACTTTTTAATTTAGTAACTCAAAACTTTTTAATTTTAGAGTGT[G>A]ATGTGAAGGATTATGGGGACCTGCCCTTTGCTGACATCCCTAATGACAGTCCCTTTCAAA-3'
Protein context (NP_000036.2, residues 36-56): LLEKLKEQEC[Asp46Asn]VKDYGDLPFA

ClinVar aggregate classification (germline): Uncertain significance (1 of 4 stars; one submission).

Conditions:
Arginase deficiency. Also called: ARGININEMIA; ARG1 DEFICIENCY; Arginase 1 Deficiency. Identifiers: Orphanet 90, MedGen C0268548, MONDO:0008814, OMIM 207800.

Allele frequency attached by ClinVar (database versions not stated): TOPMed below 0.00001; gnomAD exomes below 0.00001.
gnomAD v4.1: 2 of 1,614,120 alleles (0.00012%); highest among the groups gnomAD compares: Non-Finnish European, 0.000085%; no homozygotes.

Submission:

Labcorp Genetics (formerly Invitae), Labcorp
Classification: Uncertain significance for Arginase deficiency. Last evaluated: 2022-09-01. Review status: criteria provided, single submitter. Criteria: Invitae Variant Classification Sherloc (09022015). Collection method: clinical testing. Allele origin: germline.
Comment: This sequence change replaces aspartic acid, which is acidic and polar, with asparagine, which is neutral and polar, at codon 46 of the ARG1 protein (p.Asp46Asn). This variant is not present in population databases (gnomAD no frequency). This variant has not been reported in the literature in individuals affected with ARG1-related conditions. ClinVar contains an entry for this variant (Variation ID: 1446195). Algorithms developed to predict the effect of missense changes on protein structure and function output the following: SIFT: "Tolerated"; PolyPhen-2: "Benign"; Align-GVGD: "Class C0". The asparagine amino acid residue is found in multiple mammalian species, which suggests that this missense change does not adversely affect protein function. In summary, the available evidence is currently insufficient to determine the role of this variant in disease. Therefore, it has been classified as a Variant of Uncertain Significance.